The following is an entry in ClinVar:

NM_000179.3(MSH6):c.3601C>T (p.Leu1201Phe)

Gene: MSH6 (mutS homolog 6; plus strand). Cytogenetic location: 2p16.3.
Variant type: single nucleotide variant.
Coding change: c.3601C>T on transcript NM_000179.3 (MANE Select); coding-DNA position 3601, C replaced by T.
Protein change: p.Leu1201Phe; replaces leucine 1201 with phenylalanine.
Molecular consequence: missense variant.
Genome position (GRCh38, 1-based): chr2:47,805,662, C>T. VCF-style: chr2-47805662-C-T. GRCh37 (hg19) VCF-style: chr2-48032801-C-T.
Other names: c.3211C>T, p.Leu1071Phe (NM_001281492.2); c.2695C>T, p.Leu899Phe (NM_001281493.2, NM_001281494.2); short protein forms L1201F, L1071F, L899F.
Identifiers: ClinVar variation 229845 (VCV000229845.21), dbSNP rs182024561, ClinGen allele CA071474.

ClinVar aggregate classification (germline): Uncertain significance. Review status: criteria provided, multiple submitters, no conflicts (2 of 4 stars). 6 submissions from 6 submitters: Uncertain significance (6). Last evaluated 2026-01-20.

Conditions:
Hereditary nonpolyposis colorectal neoplasms. Identifiers: MedGen C0009405, MeSH D003123.
Hereditary cancer-predisposing syndrome. Also called: Hereditary neoplastic syndrome; Hereditary Cancer Syndrome; Neoplastic Syndromes, Hereditary; Tumor predisposition. Identifiers: Orphanet 140162, MedGen C0027672, MeSH D009386, MONDO:0015356.
Lynch syndrome. Identifiers: Orphanet 144, MedGen C4552100, MONDO:0005835. Disease mechanism: loss of function.
Endometrial carcinoma. Also called: Endometrial carcinoma, somatic. Identifiers: MedGen C0476089, MONDO:0002447, OMIM 608089, HP:0012114.

Allele frequency attached by ClinVar (database versions not stated): gnomAD exomes 0.00001; ExAC 0.00002; 1000 Genomes Project 30x 0.00016; 1000 Genomes Project 0.00020.
gnomAD v4.1: 17 of 1,613,030 alleles (0.0011%); highest among the groups gnomAD compares: African/African-American, 0.0013%; no homozygotes.

Submissions (6):

Labcorp Genetics (formerly Invitae), Labcorp
Classification: Uncertain significance for Hereditary nonpolyposis colorectal neoplasms. Last evaluated: 2026-01-20. Review status: criteria provided, single submitter. Criteria: Invitae Variant Classification Sherloc (09022015). Collection method: clinical testing. Allele origin: germline.
Comment: This sequence change replaces leucine, which is neutral and non-polar, with phenylalanine, which is neutral and non-polar, at codon 1201 of the MSH6 protein (p.Leu1201Phe). This variant is present in population databases (rs182024561, gnomAD 0.007%). This missense change has been observed in individual(s) with clinical features of MSH6-related conditions (PMID: 21520333, 33471991). ClinVar contains an entry for this variant (Variation ID: 229845). Invitae Evidence Modeling of protein sequence and biophysical properties (such as structural, functional, and spatial information, amino acid conservation, physicochemical variation, residue mobility, and thermodynamic stability) indicates that this missense variant is expected to disrupt MSH6 protein function with a positive predictive value of 95%. This variant disrupts the p.Leu1201 amino acid residue in MSH6. Other variant(s) that disrupt this residue have been determined to be pathogenic (PMID: 29875428; internal data). This suggests that this residue is clinically significant, and that variants that disrupt this residue are likely to be disease-causing. In summary, the available evidence is currently insufficient to determine the role of this variant in disease. Therefore, it has been classified as a Variant of Uncertain Significance.

Color Diagnostics, LLC DBA Color Health
Classification: Uncertain significance for Hereditary cancer-predisposing syndrome. Last evaluated: 2025-07-04. Review status: criteria provided, single submitter. Criteria: ACMG Guidelines, 2015. Collection method: clinical testing. Allele origin: germline.
Comment: This missense variant replaces leucine with phenylalanine at codon 1201 of the MSH6 protein. Computational prediction suggests that this variant may have deleterious impact on protein structure and function. To our knowledge, functional studies have not been reported for this variant. In a breast cancer case-control study, this variant has been observed in 1/60466 cases and 1/53461 unaffected controls (PMID: 33471991). This variant has been identified in 2/251436 chromosomes in the general population by the Genome Aggregation Database (gnomAD). The available evidence is insufficient to determine the role of this variant in disease conclusively. Therefore, this variant is classified as a Variant of Uncertain Significance.

Quest Diagnostics Nichols Institute San Juan Capistrano
Classification: Uncertain significance. Last evaluated: 2025-06-18. Review status: criteria provided, single submitter. Criteria: Quest Diagnostics criteria. Collection method: clinical testing. Allele origin: unknown.
Comment: The MSH6 c.3601C>T (p.Leu1201Phe) variant has been reported in the published literature in a breast cancer case and in a reportedly unaffected individual (PMID: 33471991 (2021), see also LOVD). The frequency of this variant in the general population (Genome Aggregation Database) is uninformative in the assessment of its pathogenicity. Analysis of this variant using bioinformatics tools for the prediction of the effect of amino acid changes on protein structure and function yielded predictions that this variant is damaging. Based on the available information, we are unable to determine the clinical significance of this variant.

Ambry Genetics
Classification: Uncertain significance for Hereditary cancer-predisposing syndrome. Last evaluated: 2024-12-03. Review status: criteria provided, single submitter. Criteria: Ambry Variant Classification Scheme 2023. Collection method: clinical testing. Allele origin: germline.
Comment: The p.L1201F variant (also known as c.3601C>T), located in coding exon 7 of the MSH6 gene, results from a C to T substitution at nucleotide position 3601. The leucine at codon 1201 is replaced by phenylalanine, an amino acid with highly similar properties. This amino acid position is highly conserved in available vertebrate species. In addition, this alteration is predicted to be deleterious by in silico analysis. Since supporting evidence is limited at this time, the clinical significance of this alteration remains unclear.

All of Us Research Program, National Institutes of Health
Classification: Uncertain significance for Lynch syndrome. Last evaluated: 2024-01-11. Review status: criteria provided, single submitter. Criteria: ACMG Guidelines, 2015. Collection method: clinical testing. Allele origin: germline. Inheritance: Autosomal dominant inheritance. Observed: 4 variant alleles, 4 heterozygotes.
Comment: This missense variant replaces leucine with phenylalanine at codon 1201 of the MSH6 protein. Computational prediction suggests that this variant may have deleterious impact on protein structure and function (internally defined REVEL score threshold >= 0.7, PMID: 27666373). To our knowledge, functional studies have not been reported for this variant. In a breast cancer case-control study, this variant has been observed in 1/60466 cases and 1/53461 unaffected controls (PMID: 33471991). This variant has been identified in 2/251436 chromosomes in the general population by the Genome Aggregation Database (gnomAD). The available evidence is insufficient to determine the role of this variant in disease conclusively. Therefore, this variant is classified as a Variant of Uncertain Significance.

This study involves interpretation of variants in research participants for the purpose of population health screening. Participant phenotype was not available at the time of variant classification. Additional details can be found in publication PMID: 35346344, PMCID: PMC8962531

Baylor Genetics
Classification: Uncertain significance for Endometrial carcinoma. Last evaluated: 2023-06-15. Review status: criteria provided, single submitter. Criteria: ACMG Guidelines, 2015. Collection method: clinical testing. Allele origin: unknown.

Literature cited by the submitters: PubMed 21520333 (cited by Labcorp Genetics (formerly Invitae), Labcorp); PubMed 33471991 (cited by 4 submitters); PubMed 29875428 (cited by Labcorp Genetics (formerly Invitae), Labcorp).